The following is an entry in ClinVar:

ClinVar aggregate classification (germline): Uncertain significance (1 of 4 stars; one submission).

Conditions:
PLXNA3-related disorder. Also called: PLXNA3-related condition.

gnomAD v4.1: 1 of 1,208,720 alleles (0.000083%); highest among the groups gnomAD compares: South Asian, 0.0018%; no homozygotes.

Submission:

PreventionGenetics, part of Exact Sciences
Classification: Uncertain significance for PLXNA3-related condition. Last evaluated: 2025-10-16. Review status: criteria provided, single submitter. Criteria: ACMG Guidelines, 2015. Collection method: clinical testing. Allele origin: germline.
Comment: The PLXNA3 c.92C>G variant is predicted to result in the amino acid substitution p.Thr31Ser. To our knowledge, this variant has not been reported in the literature. This variant is reported in 0.0053% of alleles in individuals of South Asian descent in gnomAD. At this time, the clinical significance of this variant is uncertain due to the absence of conclusive functional and genetic evidence.

NM_017514.5(PLXNA3):c.92C>G (p.Thr31Ser)

Gene: PLXNA3 (plexin A3; plus strand). Cytogenetic location: Xq28.
Variant type: single nucleotide variant.
Coding change: c.92C>G on transcript NM_017514.5 (MANE Select); coding-DNA position 92, C replaced by G.
Protein change: p.Thr31Ser; replaces threonine 31 with serine.
Molecular consequence: missense variant.
Genome position (GRCh38, 1-based): chrX:154,460,275, C>G. VCF-style: chrX-154460275-C-G. GRCh37 (hg19) VCF-style: chrX-153688615-C-G.
Other names: short protein forms T31S.
Identifiers: ClinVar variation 4984663 (VCV004984663.1).